The following is an entry in ClinVar:

ClinVar aggregate classification (germline): Conflicting classifications of pathogenicity. Review status: criteria provided, conflicting classifications (1 of 4 stars). 3 submissions from 3 submitters: Uncertain significance (1); Likely benign (1). 1 of the submissions does not count toward it. Last evaluated 2024-04-03.

Conditions:
Alstrom syndrome (ALMS). Identifiers: Orphanet 64, MedGen C0268425, MONDO:0008763, OMIM 203800.

Allele frequency attached by ClinVar (database versions not stated): gnomAD exomes below 0.00001; gnomAD 0.00002 and 0.00003; TOPMed 0.00002.
gnomAD v4.1: 11 of 1,613,010 alleles (0.00068%); highest among the groups gnomAD compares: Admixed American, 0.0083%; no homozygotes.

Submissions (3):

Labcorp Genetics (formerly Invitae), Labcorp
Classification: Likely benign for Alstrom syndrome. Last evaluated: 2024-04-03. Review status: criteria provided, single submitter. Criteria: Invitae Variant Classification Sherloc (09022015). Collection method: clinical testing. Allele origin: germline.

Women's Health and Genetics/Laboratory Corporation of America, LabCorp
Classification: Uncertain significance. Last evaluated: 2019-03-12. Review status: criteria provided, single submitter. Criteria: LabCorp Variant Classification Summary - May 2015. Collection method: clinical testing. Allele origin: germline.
Comment: Variant summary: ALMS1 c.7538-6C>T (also known as c.7544-6C>T) alters a non-conserved nucleotide located close to a canonical splice site and therefore could affect mRNA splicing, leading to a significantly altered protein sequence. 4/4 computational tools predict no significant impact on normal splicing. However, these predictions have yet to be confirmed by functional studies. The variant allele was found at a frequency of 4.1e-06 in 245690 control chromosomes. The available data on variant occurrences in the general population are insufficient to allow any conclusion about variant significance. To our knowledge, no occurrence of c.7538-6C>T in individuals affected with Cardiomyopathy/Alstrom syndrome and no experimental evidence demonstrating its impact on protein function have been reported. One clinical diagnostic laboratory has submitted clinical-significance assessments for this variant to ClinVar after 2014 without evidence for independent evaluation and classified the variant as uncertain significance. Based on the evidence outlined above, the variant was classified as uncertain significance.

Counsyl
Classification: Uncertain significance for Alstrom syndrome. Last evaluated: 2018-01-17. Review status: no assertion criteria provided. Collection method: clinical testing. Allele origin: unknown. Not counted in ClinVar's aggregate classification.

NM_001378454.1(ALMS1):c.7541-6C>T

Gene: ALMS1 (ALMS1 centrosome and basal body associated protein; plus strand). Cytogenetic location: 2p13.1.
Variant type: single nucleotide variant.
Coding change: c.7541-6C>T on transcript NM_001378454.1 (MANE Select); 6 bases into the intron before coding-DNA position 7541, C replaced by T.
Molecular consequence: intron variant.
Genome position (GRCh38, 1-based): chr2:73,455,156, C>T. VCF-style: chr2-73455156-C-T. GRCh37 (hg19) VCF-style: chr2-73682283-C-T.
Other names: c.7541-6C>T (NM_015120.4); c.7544-6C>T (NM_015120.4).
Identifiers: ClinVar variation 556191 (VCV000556191.13), dbSNP rs1408073039, ClinGen allele CA533691824.